The following is an entry in ClinVar:

NM_000179.3(MSH6):c.1509C>T (p.Ser503=)

Gene: MSH6 (mutS homolog 6; plus strand). Cytogenetic location: 2p16.3.
Variant type: single nucleotide variant.
Coding change: c.1509C>T on transcript NM_000179.3 (MANE Select); coding-DNA position 1509, C replaced by T.
Protein change: p.Ser503=; no amino-acid change (serine 503 retained).
Molecular consequence: synonymous variant.
Genome position (GRCh38, 1-based): chr2:47,799,492, C>T. VCF-style: chr2-47799492-C-T. GRCh37 (hg19) VCF-style: chr2-48026631-C-T.
Other names: c.1119C>T, p.Ser373= (NM_001281492.2); c.603C>T, p.Ser201= (NM_001281493.2, NM_001281494.2).
Identifiers: ClinVar variation 185071 (VCV000185071.30), dbSNP rs545020313, ClinGen allele CA008735.

ClinVar aggregate classification (germline): Benign/Likely benign. Review status: criteria provided, multiple submitters, no conflicts (2 of 4 stars). 9 submissions from 9 submitters: Benign (2); Likely benign (7). Last evaluated 2025-11-10.

Conditions:
Hereditary nonpolyposis colorectal neoplasms. Identifiers: MedGen C0009405, MeSH D003123.
Hereditary cancer-predisposing syndrome. Also called: Tumor predisposition; Neoplastic Syndromes, Hereditary; Hereditary Cancer Syndrome; Hereditary neoplastic syndrome. Identifiers: Orphanet 140162, MedGen C0027672, MeSH D009386, MONDO:0015356.
Lynch syndrome 5 (LYNCH5). Also called: Hereditary non-polyposis colorectal cancer, type 5; Colorectal cancer, hereditary nonpolyposis, type 5. Identifiers: Orphanet 144, MedGen C1833477, MONDO:0013710, OMIM 614350. Disease mechanism: loss of function.

Allele frequency attached by ClinVar (database versions not stated): gnomAD exomes 0.00001 and 0.00002; ExAC 0.00005; TOPMed 0.00008; 1000 Genomes Project 0.00060; 1000 Genomes Project 30x 0.00078.
gnomAD v4.1: 29 of 1,614,090 alleles (0.0018%); highest among the groups gnomAD compares: African/African-American, 0.021%; no homozygotes.

Submissions (9):

Labcorp Genetics (formerly Invitae), Labcorp
Classification: Likely benign for Hereditary nonpolyposis colorectal neoplasms. Last evaluated: 2025-11-10. Review status: criteria provided, single submitter. Criteria: Invitae Variant Classification Sherloc (09022015). Collection method: clinical testing. Allele origin: germline.

CeGaT Center for Human Genetics Tuebingen
Classification: Likely benign. Last evaluated: 2025-06-01. Review status: criteria provided, single submitter. Criteria: CeGaT Center For Human Genetics Tuebingen Variant Classification Criteria Version 2. Collection method: clinical testing. Allele origin: germline. Affected: yes. Observed: 1 variant allele.
Comment: MSH6: BP4, BP7

Myriad Genetics, Inc.
Classification: Benign for Lynch syndrome 5. Last evaluated: 2024-12-26. Review status: criteria provided, single submitter. Criteria: Myriad Autosomal Dominant, Autosomal Recessive and X-Linked Classification Criteria (2023). Collection method: clinical testing. Allele origin: unknown.
Comment: This variant is considered benign. This variant is a silent/synonymous amino acid change and it is not expected to impact splicing.

Blueprint Genetics
Classification: Likely benign. Last evaluated: 2024-05-16. Review status: criteria provided, single submitter. Criteria: ACMG Guidelines, 2015. Collection method: clinical testing. Allele origin: germline.

GeneDx
Classification: Likely benign. Last evaluated: 2020-11-12. Review status: criteria provided, single submitter. Criteria: GeneDx Variant Classification Process June 2021. Collection method: clinical testing. Allele origin: germline. Affected: yes.

Quest Diagnostics Nichols Institute San Juan Capistrano
Classification: Benign. Last evaluated: 2018-07-19. Review status: criteria provided, single submitter. Criteria: Quest Diagnostics criteria. Collection method: clinical testing. Allele origin: germline.

Women's Health and Genetics/Laboratory Corporation of America, LabCorp
Classification: Likely benign. Last evaluated: 2016-08-16. Review status: criteria provided, single submitter. Criteria: LabCorp Variant Classification Summary - May 2015. Collection method: clinical testing. Allele origin: germline.
Comment: Variant summary: The MSH6 c.1509C>T (p.Ser503Ser) variant involves the alteration of a non-conserved nucleotide, resulting in a synonymous change. One in silico tool predicts a damaging outcome for this variant. 5/5 splice prediction tools predict no significant impact on normal splicing. ESE finder predicts that this variant may create a novel ESE site of SRp55. However, these predictions have yet to be confirmed by functional studies. This variant was found in 6/121298 control chromosomes, predominantly observed in the African subpopulation at a frequency of 0.0005767 (6/10404). This frequency is about 4 times the estimated maximal expected allele frequency of a pathogenic MSH6 variant (0.0001421), suggesting this is likely a benign polymorphism found primarily in the populations of African origin. In addition, multiple clinical diagnostic laboratories/reputable databases classified this variant as likely benign. The variant of interest has not, to our knowledge, been reported in affected individuals via publications and/or reputable databases/clinical diagnostic laboratories; nor evaluated for functional impact by in vivo/vitro studies. Taken together, this variant is classified as likely benign.

Color Diagnostics, LLC DBA Color Health
Classification: Likely benign for Hereditary cancer-predisposing syndrome. Last evaluated: 2015-12-10. Review status: criteria provided, single submitter. Criteria: ACMG Guidelines, 2015. Collection method: clinical testing. Allele origin: germline.

Ambry Genetics
Classification: Likely benign for Hereditary cancer-predisposing syndrome. Last evaluated: 2014-05-28. Review status: criteria provided, single submitter. Criteria: Ambry Variant Classification Scheme 2023. Collection method: clinical testing. Allele origin: germline.